The following is an entry in ClinVar:

NM_001370259.2(MEN1):c.579A>T (p.Thr193=)

Gene: MEN1 (menin 1; minus strand). Cytogenetic location: 11q13.1.
Variant type: single nucleotide variant.
Coding change: c.579A>T on transcript NM_001370259.2 (MANE Select); coding-DNA position 579, A replaced by T.
Protein change: p.Thr193=; no amino-acid change (threonine 193 retained).
Molecular consequence: synonymous variant. On other transcripts: non-coding transcript variant (4), intron variant (5).
Genome position (GRCh38, 1-based): chr11:64,807,966, T>A on the plus strand (A>T on the coding strand, the complement: MEN1 is on the minus strand). VCF-style: chr11-64807966-T-A. GRCh37 (hg19) VCF-style: chr11-64575438-T-A.
Other names: c.594A>T, p.Thr198= (NM_000244.4, NM_001407145.1, NM_001407150.1 and 5 more transcripts); c.579A>T, p.Thr193= (NM_001370251.2, NM_001370260.2, NM_001370261.2 and 7 more transcripts); c.549+30A>T (NM_001407148.1, NM_001407149.1, NM_001407151.1 and 2 more transcripts).
Identifiers: ClinVar variation 1749694 (VCV001749694.8), dbSNP rs1212976165, ClinGen allele CA475162925.
Genomic context (GRCh38, chr11:64,807,966, plus strand): 5'-GGCATTGACTGTCTGGCCCCTGCGGTCCTCGTTGCCCTTGCCGTGCCAGGTGACCTCAGC[T>A]GTCTGCTCCCCATTGGGCCCAAACACTACCCAGGCATGATCCTCAGACAGGGCGAGGTGG-3'
Protein context (NP_001357188.2, residues 183-203): WVVFGPNGEQ[Thr193=]AEVTWHGKGN

ClinVar aggregate classification (germline): Benign/Likely benign. Review status: criteria provided, multiple submitters, no conflicts (2 of 4 stars). 3 submissions from 3 submitters: Benign (1); Likely benign (2). Last evaluated 2025-05-18.

Conditions:
Hereditary cancer-predisposing syndrome. Also called: Neoplastic Syndromes, Hereditary; Tumor predisposition; Hereditary neoplastic syndrome; Hereditary Cancer Syndrome. Identifiers: Orphanet 140162, MedGen C0027672, MeSH D009386, MONDO:0015356.
Multiple endocrine neoplasia, type 1 (MEN1). Also called: MEN I; WERMER SYNDROME; Endocrine adenomatosis multiple; MEN 1; MEA I. Identifiers: Orphanet 652, MedGen C0025267, MeSH D018761, MONDO:0007540, OMIM 131100.

Allele frequency attached by ClinVar (database versions not stated): gnomAD exomes below 0.00001; TOPMed below 0.00001.
gnomAD v4.1: 2 of 1,614,202 alleles (0.00012%); highest among the groups gnomAD compares: Admixed American, 0.0017%; no homozygotes.

Submissions (3):

Labcorp Genetics (formerly Invitae), Labcorp
Classification: Likely benign for Multiple endocrine neoplasia, type 1. Last evaluated: 2025-05-18. Review status: criteria provided, single submitter. Criteria: Invitae Variant Classification Sherloc (09022015). Collection method: clinical testing. Allele origin: germline.

Myriad Genetics, Inc.
Classification: Benign for Multiple endocrine neoplasia, type 1. Last evaluated: 2024-11-01. Review status: criteria provided, single submitter. Criteria: Myriad Autosomal Dominant, Autosomal Recessive and X-Linked Classification Criteria (2023). Collection method: clinical testing. Allele origin: unknown.
Comment: This variant is considered benign. This variant is a silent/synonymous amino acid change and it is not expected to impact splicing.

Ambry Genetics
Classification: Likely benign for Hereditary cancer-predisposing syndrome. Last evaluated: 2022-04-11. Review status: criteria provided, single submitter. Criteria: Ambry Variant Classification Scheme 2023. Collection method: clinical testing. Allele origin: germline.